The following continues an entry in ClinVar:

NM_007294.4(BRCA1):c.3756_3759del (p.Ser1253fs)

ClinVar aggregate classification (germline): Pathogenic. Pathogenic (1).

Submissions 10 to 22 of 64:

Ambry Genetics
Classification: Pathogenic for Hereditary cancer-predisposing syndrome. Last evaluated: 2025-09-23. Review status: criteria provided, single submitter. Criteria: Ambry Variant Classification Scheme 2023. Collection method: clinical testing. Allele origin: germline. Not counted in ClinVar's aggregate classification.
Comment: The c.3756_3759delGTCT (p.S1253Rfs*10) alteration, located in exon 10 (coding exon 9) of the BRCA1 gene, consists of a deletion of 4 nucleotides from position 3756 to 3759, causing a translational frameshift with a predicted alternate stop codon after 10 amino acids. This alteration is expected to result in loss of function by premature protein truncation or nonsense-mediated mRNA decay. Based on data from gnomAD, the c.3756_3759delGTCT allele has an overall frequency of 0.002% (6/251272) total alleles studied. The highest observed frequency was 0.016% (1/6126) of Other alleles. This recurrent mutation has been detected in multiple hereditary breast and ovarian cancer (HBOC) syndrome families globally (Castilla, 1994; Zhang, 2011; Tedaldi, 2017; Sun, 2017; Heramb, 2018; Bhaskaran, 2019). Of note, this variant is also designated as 3875del4 in published literature. Based on the available evidence, this alteration is classified as pathogenic.

Institute for Genomic Medicine (IGM) Clinical Laboratory, Nationwide Children's Hospital
Classification: Pathogenic for Hereditary cancer-predisposing syndrome. Last evaluated: 2025-08-08. Review status: criteria provided, single submitter. Criteria: ACMG Guidelines, 2015. Collection method: clinical testing. Allele origin: germline. Not counted in ClinVar's aggregate classification.
Comment: This variant is predicted to result in loss of function through nonsense-mediated decay of the encoded transcript or premature truncation of the encoded protein in a gene in which loss of function is a known mechanism of disease (ACMG/AMP: PVS1; PMIDs:18431737, 20104584, 26515461, 35236825). This variant has been reported at an elevated frequency in affected individuals/in multiple affected individuals in the literature (ACMG/AMP: PS4; PMIDs:33471991, 33646313, 32885271, 33087929, 32341426, 32101877, 31472684, 31360904, 30972954, 30875412, 30535581, 27836010, 22798144, 22711857, 21989927, 16168118, 11802209). This variant has been shown to segregate with disease in multiple affected family members (ACMG/AMP: PP1; PMIDs:23199084, 29446198, 33287145, 29339979, 7894491).

ARUP Laboratories, Molecular Genetics and Genomics, ARUP Laboratories
Classification: Pathogenic. Last evaluated: 2025-07-25. Review status: criteria provided, single submitter. Criteria: ARUP Molecular Germline Variant Investigation Process 2024. Collection method: clinical testing. Allele origin: germline. Not counted in ClinVar's aggregate classification.
Comment: The BRCA1 c.3756_3759del; p.Ser1253ArgfsTer10 variant (rs80357868, ClinVar Variation ID: 17673), also known as 3875del4, has been reported in individuals with hereditary breast and ovarian cancer syndrome (Castilla 1994, Trujillano 2015, Wong-Brown 2015, Zhang 2011), and described as a pathogenic founder variant in the French-Canadian population in Quebec (Janavicius 2010). This variant is found in the general population with an overall allele frequency of 0.002% (6/251,272 alleles) in the Genome Aggregation Database (v2.1.1). This variant causes a frameshift by deleting four nucleotides, so it is predicted to result in a truncated protein or mRNA subject to nonsense-mediated decay. Based on available information, this variant is considered pathogenic. References: Castilla LH et al. Mutations in the BRCA1 gene in families with early-onset breast and ovarian cancer. Nat Genet. 1994 Dec;8(4):387-91. PMID: 7894491. Janavicius R et al. Founder BRCA1/2 mutations in the Europe: implications for hereditary breast-ovarian cancer prevention and control. EPMA J. 2010 Sep;1(3):397-412. PMID: 23199084. Trujillano D et al. Next-generation sequencing of the BRCA1 and BRCA2 genes for the genetic diagnostics of hereditary breast and/or ovarian cancer. J Mol Diagn. 2015 Mar;17(2):162-70. PMID: 25556971. Wong-Brown MW et al. Prevalence of BRCA1 and BRCA2 germline mutations in patients with triple-negative breast cancer. Breast Cancer Res Treat. 2015 Feb;150(1):71-80. PMID: 25682074. Zhang S et al. Frequencies of BRCA1 and BRCA2 mutations among 1,342 unselected patients with invasive ovarian cancer. Gynecol Oncol. 2011 May 1;121(2):353-7. PMID: 21324516.

Cambridge Genomics Laboratory, East Genomic Laboratory Hub, NHS Genomic Medicine Service
Classification: Pathogenic for Inherited ovarian cancer (without breast cancer). Last evaluated: 2025-03-11. Review status: criteria provided, single submitter. Criteria: ACGS Best Practice Guidelines for Variant Classification in Rare Disease 2020. Collection method: clinical testing. Allele origin: germline. Affected: yes. Not counted in ClinVar's aggregate classification.
Comment: PVS1,PM2_Supporting,PM5_Strong

Molecular Diagnostics Laboratory, Catalan Institute of Oncology
Classification: Pathogenic for Hereditary cancer-predisposing syndrome. Last evaluated: 2025-02-25. Review status: criteria provided, single submitter. Criteria: ClinGen BRCA1BRCA2 ACMG Specifications BRCA1 V1.0.0. Collection method: clinical testing. Allele origin: germline. Not counted in ClinVar's aggregate classification.
Comment: PVS1, PM5_PTC_Strong c.3756_3759del, located in exon 10 (11 according BIC nomenclature) of the BRCA1 gene, consists in the deletion of 4 nucleotides, causing a translational frameshift with a predicted alternate stop codon, p.(Ser1253Argfs*10). This alteration is expected to result in loss of function by premature protein truncation and nonsense-mediated mRNA decay (PVS1, PM5_PTC_Strong). No effect is predicted on splicing by SpliceAI. This variant is found in 3/268135 alleles at a frequency of 0.0011% in the gnomAD v2.1.1 database, non-cancer dataset. To our knowledge, neither relevant clinical data nor well-stablished functional studies have been reported for this variant. In addition, it was also identified in the following databases: BRCA Exchange (Pathogenic: Variant allele predicted to encode a truncated non-functional protein), ClinVar (1x likely pathogenic, 52x pathogenic) and LOVD (5x as uncertain significance, 65x pathogenic). Based on the currently available information, c.3756_3759del is classified as a pathogenic variant according to ClinGen-BRCA1 Guidelines version v1.0.0.

Rady Children's Institute for Genomic Medicine, Rady Children's Hospital San Diego
Classification: Pathogenic for BRCA1-related disorders. Last evaluated: 2024-08-27. Review status: criteria provided, single submitter. Criteria: ACMG Guidelines, 2015. Collection method: clinical testing. Allele origin: germline. Affected: yes. Not counted in ClinVar's aggregate classification.
Comment: This frameshifting variant in exon 10 of 24 is predicted to result in loss of normal protein function through either protein truncation or nonsense-mediated mRNA decay. Loss-of-function variation in BRCA1 is an established mechanism of disease (PMID: 20301425). This variant has been previously reported in individuals with breast and ovarian cancer (PMID: 36292577, 35918668, 33646313, 33287145, 32885271, 32388397, 32341426, 30972954). The c.3756_3759del (p.Ser1253ArgfsTer10) variant is present in the latest version of the gnomAD population database at an allele frequency of 0.001% (23/1614000). Based on the available evidence, c.3756_3759del (p.Ser1253ArgfsTer10) is classified as Pathogenic.

Mayo Clinic Laboratories, Mayo Clinic
Classification: Pathogenic. Last evaluated: 2024-07-08. Review status: criteria provided, single submitter. Criteria: ACMG Guidelines, 2015. Collection method: clinical testing. Allele origin: germline. Not counted in ClinVar's aggregate classification.
Comment: PM5_strong, PVS1

Institute of Human Genetics, University of Leipzig Medical Center
Classification: Pathogenic for Familial cancer of breast. Last evaluated: 2024-06-24. Review status: criteria provided, single submitter. Criteria: ACMG Guidelines, 2015. Collection method: clinical testing. Allele origin: unknown. Inheritance: Autosomal dominant inheritance. Affected: yes. Not counted in ClinVar's aggregate classification.
Comment: Criteria applied: PVS1, PM5_PTC_STR

Department of Clinical Genetics, Copenhagen University Hospital, Rigshospitalet
Classification: Pathogenic for Breast-ovarian cancer, familial, susceptibility to, 1. Last evaluated: 2024-05-27. Review status: criteria provided, single submitter. Criteria: ACMG Guidelines, 2015. Collection method: clinical testing. Allele origin: germline. Affected: yes. Not counted in ClinVar's aggregate classification.
Comment: PVS1; PM5_PTC_Strong

Baylor Genetics
Classification: Pathogenic for Breast-ovarian cancer, familial, susceptibility to, 1. Last evaluated: 2024-03-29. Review status: criteria provided, single submitter. Criteria: ACMG Guidelines, 2015. Collection method: clinical testing. Allele origin: unknown. Not counted in ClinVar's aggregate classification.

Revvity Omics, Revvity
Classification: Pathogenic. Last evaluated: 2024-01-09. Review status: criteria provided, single submitter. Criteria: ACMG Guidelines, 2015. Collection method: clinical testing. Allele origin: germline. Not counted in ClinVar's aggregate classification.

Blueprint Genetics
Classification: Pathogenic for BRCA1-related disorders. Last evaluated: 2023-12-28. Review status: criteria provided, single submitter. Criteria: ACMG Guidelines, 2015. Collection method: clinical testing. Allele origin: germline. Affected: yes. Observed: 5 variant alleles. Not counted in ClinVar's aggregate classification.

All of Us Research Program, National Institutes of Health
Classification: Pathogenic for Breast-ovarian cancer, familial, susceptibility to, 1. Last evaluated: 2023-12-11. Review status: criteria provided, single submitter. Criteria: ACMG Guidelines, 2015. Collection method: clinical testing. Allele origin: germline. Inheritance: Autosomal dominant inheritance. Observed: 5 variant alleles, 5 heterozygotes. Not counted in ClinVar's aggregate classification.
Comment: This variant deletes 4 nucleotides in exon 10 of the BRCA1 gene, creating a frameshift and premature translation stop signal. This variant is also known as 3875_3878delGTCT, 3875del4, 3875delGTCT in the literature based on the BIC nomenclature. This variant is expected to result in an absent or non-functional protein product. This variant has been observed in multiple individuals affected with breast and ovarian cancer (PMID: 16168118, 21324516, 21989927, 22711857, 23633455) and pancreatic cancer (PMID: 21989927), and has been described as a common cause of hereditary breast-ovarian cancer in the French-Canadian population (PMID: 23199084). A breast cancer case-control meta-analysis reported this variant in 15/60466 cases and 2/53461 unaffected individuals with OR=6.633 (95%CI 1.517 to 29.005) (PMID: 33471991; Leiden Open Variation Database DB-ID BRCA1_000278). This variant has been identified in 6/251272 chromosomes in the general population by the Genome Aggregation Database (gnomAD). Loss of BRCA1 function is a known mechanism of disease. Based on the available evidence, this variant is classified as Pathogenic.

This study involves interpretation of variants in research participants for the purpose of population health screening. Participant phenotype was not available at the time of variant classification. Additional details can be found in publication PMID: 35346344, PMCID: PMC8962531